The following is an entry in ClinVar:

NM_001035.3(RYR2):c.12565T>C (p.Phe4189Leu)

Genes: RYR2 (ryanodine receptor 2; plus strand), LOC126806068 (BRD4-independent group 4 enhancer GRCh37_chr1:237947411-237948610; plus strand). Cytogenetic location: 1q43.
Variant type: single nucleotide variant.
Coding change: c.12565T>C on transcript NM_001035.3 (MANE Select); coding-DNA position 12565, T replaced by C.
Protein change: p.Phe4189Leu; replaces phenylalanine 4189 with leucine.
Molecular consequence: missense variant.
Genome position (GRCh38, 1-based): chr1:237,784,277, T>C. VCF-style: chr1-237784277-T-C. GRCh37 (hg19) VCF-style: chr1-237947577-T-C.
Other names: short protein forms F4189L.
Identifiers: ClinVar variation 1761816 (VCV001761816.2), dbSNP rs2527787008, ClinGen allele CA345413637.

ClinVar aggregate classification (germline): Uncertain significance (1 of 4 stars; one submission).

Conditions:
Cardiovascular phenotype. Identifiers: MedGen CN230736.

Submission:

Ambry Genetics
Classification: Uncertain significance for Cardiovascular phenotype. Last evaluated: 2018-01-16. Review status: criteria provided, single submitter. Criteria: Ambry Variant Classification Scheme 2023. Collection method: clinical testing. Allele origin: germline.
Comment: The p.F4189L variant (also known as c.12565T>C), located in coding exon 90 of the RYR2 gene, results from a T to C substitution at nucleotide position 12565. The phenylalanine at codon 4189 is replaced by leucine, an amino acid with highly similar properties. This amino acid position is highly conserved in available vertebrate species. In addition, this alteration is predicted to be deleterious by in silico analysis. Since supporting evidence is limited at this time, the clinical significance of this alteration remains unclear.